The following is an entry in ClinVar:

ClinVar aggregate classification (germline): Uncertain significance (1 of 4 stars; one submission).

Conditions:
X-linked intellectual disability Cabezas type (MRXSC). Also called: CABEZAS SYNDROME; MENTAL RETARDATION, X-LINKED, SYNDROMIC 15; Intellectual developmental disorder, X-linked syndromic, Cabezas type. Identifiers: Orphanet 85289, Orphanet 85293, MedGen C1845861, MONDO:0010306, OMIM 300354.

Submission:

3billion
Classification: Uncertain significance for X-linked intellectual disability Cabezas type. Last evaluated: 2025-06-05. Review status: criteria provided, single submitter. Criteria: ACMG Guidelines, 2015. Collection method: clinical testing. Allele origin: germline. Affected: yes.
Comment: The variant is observed at an extremely low frequency in the gnomAD v4.1.0 dataset (total allele frequency: <0.001%). Predicted Consequence/Location: Intron variant In silico tools predict the variant to alter splicing and produce an abnormal transcript [SpliceAI: 0.30 (>=0.2, moderate evidence for spliceogenicity)]. Therefore, this variant is classified as VUS according to the recommendation of ACMG/AMP guideline.

NM_001079872.2(CUL4B):c.673-21_673-19del

Gene: CUL4B (cullin 4B; minus strand). Cytogenetic location: Xq24.
Variant type: Deletion.
Coding change: c.673-21_673-19del on transcript NM_001079872.2 (MANE Select); 21 bases into the intron before coding-DNA position 673 through 19 bases into the intron before coding-DNA position 673, 3 bases deleted (GAA; older notation c.673-21_673-19delGAA).
Molecular consequence: intron variant.
Genome position (GRCh38, 1-based): chrX:120,547,258-120,547,260, TTC deleted on the plus strand (GAA on the coding strand, the reverse complement: CUL4B is on the minus strand); deleting any 3 consecutive bases within chrX:120,547,258-120,547,262 gives the same sequence; the c. name uses the placement nearest the transcript's 3' end. VCF-style (leftmost placement, unchanged base first): chrX-120547257-TTTC-T. GRCh37 (hg19) VCF-style: chrX-119681112-TTTC-T.
Other names: c.727-21_727-19del (NM_003588.4); c.688-21_688-19del (NM_001330624.2); c.139-21_139-19del (NM_001369145.1).
Identifiers: ClinVar variation 4855969 (VCV004855969.1).
Genomic context (GRCh38, chrX:120,547,257, plus strand): 5'-ACAAGTTTGCAGAAATCTTGTAAGAACAGAGATTTTCTACAGCCTGCAAGGTTAAAATAC[TTTC>T]TTAAGGAGAGGATGAAGGATTTCTCAACTATTTACATCAGATTCTTATTAATTTGATATT-3'